The following is an entry in ClinVar:

NM_000169.3(GLA):c.1000-1G>A

Genes: GLA (galactosidase alpha; minus strand), RPL36A-HNRNPH2 (RPL36A-HNRNPH2 readthrough; plus strand). Cytogenetic location: Xq22.1.
Variant type: single nucleotide variant.
Coding change: c.1000-1G>A on transcript NM_000169.3 (MANE Select); the canonical splice acceptor site of the intron before coding-DNA position 1000, G replaced by A.
Molecular consequence: splice acceptor variant. On other transcripts: intron variant (2).
Genome position (GRCh38, 1-based): chrX:101,398,100, C>T on the plus strand (G>A on the coding strand, the complement: GLA is on the minus strand). VCF-style: chrX-101398100-C-T. GRCh37 (hg19) VCF-style: chrX-100653088-C-T.
Other names: c.300+2643C>T (NM_001199973.2); c.177+6278C>T (NM_001199974.2); c.1123-1G>A (NM_001406747.1).
Identifiers: ClinVar variation 222111 (VCV000222111.12), dbSNP rs869312204, ClinGen allele CA352689.
Genomic context (GRCh38, chrX:101,398,100, plus strand): 5'-CATAGCTACAGCCCAGGCTAAGCCTGAGAGAGGTCGTTCCCACACTTCAAAGTTGTCTCC[C>T]TGAAAAACCAAGAAAGTGTGGTTGCTTAGCAACTAGTGATAAGTGGCCCTGTTAGTTTGG-3'

ClinVar aggregate classification (germline): Pathogenic. Review status: criteria provided, multiple submitters, no conflicts (2 of 4 stars). 3 submissions from 3 submitters: Pathogenic (3). Last evaluated 2026-09-08.

Conditions:
Fabry disease. Also called: GLA DEFICIENCY; HEREDITARY DYSTOPIC LIPIDOSIS; Fabry's disease; Angiokeratoma corporis diffusum; Ceramide trihexosidosis; ALPHA-GALACTOSIDASE A DEFICIENCY. Identifiers: Orphanet 324, MedGen C0002986, MONDO:0010526, OMIM 301500, HP:0001071. Disease mechanism: loss of function, Fabry disease is due to inactivating mutations in the X-linked GLA gene resulting in deficiency of the enzyme Alpha Galactosidase-A..

Submissions (3):

Genomenon, Inc
Classification: Pathogenic for Fabry disease. Last evaluated: 2026-09-08. Review status: criteria provided, single submitter. Criteria: Genomenon Sequence Variant Interpretation Standards - Updated. Collection method: curation. Allele origin: germline. Affected: yes.
Comment: GLA c.1000-1G>A is a canonical splice variant affecting the acceptor splice site of intron 6. It is predicted to affect mRNA splicing, leading to a deleterious effect on the GLA protein. This variant has been observed in at least one proband with clinical features consistent with Fabry disease (PMID:10200059;28736719;33915609;11804208;31568064;36140787;14505049). The variant was found to segregate with disease in at least one affected family (PMID:36140787;14505049). At least one splicing study has demonstrated that this variant results in aberrant splicing (PMID:10200059). It is absent or not present at a significant frequency in gnomAD. In conclusion, we classify GLA c.1000-1G>A as a pathogenic variant.

Revvity Omics, Revvity
Classification: Pathogenic. Last evaluated: 2022-10-02. Review status: criteria provided, single submitter. Criteria: ACMG Guidelines, 2015. Collection method: clinical testing. Allele origin: germline.

Labcorp Genetics (formerly Invitae), Labcorp
Classification: Pathogenic for Fabry disease. Last evaluated: 2020-06-06. Review status: criteria provided, single submitter. Criteria: Invitae Variant Classification Sherloc (09022015). Collection method: clinical testing. Allele origin: germline.
Comment: This sequence change affects an acceptor splice site in the last intron (intron 6) of the GLA gene. While this is not anticipated to result in nonsense mediated decay, it likely alters RNA splicing and results in a disrupted protein product. This variant is not present in population databases (ExAC no frequency). Disruption of this splice site has been observed in individual(s) with Fabry disease (PMID: 10200059, 16595074, 18023222, 20022777). Nucleotide substitutions within the consensus splice site are a relatively common cause of aberrant splicing (PMID: 17576681, 9536098). Experimental studies have shown that this variant disrupts mRNA splicing (PMID: 10200059). For these reasons, this variant has been classified as Pathogenic.

Literature cited by the submitters: PubMed 10200059 (cited by Genomenon, Inc and Labcorp Genetics (formerly Invitae), Labcorp); PubMed 28736719 (cited by Genomenon, Inc); PubMed 33915609 (cited by Genomenon, Inc); PubMed 11804208 (cited by Genomenon, Inc); PubMed 31568064 (cited by Genomenon, Inc); PubMed 36140787 (cited by Genomenon, Inc); PubMed 14505049 (cited by Genomenon, Inc); PubMed 16595074 (cited by Labcorp Genetics (formerly Invitae), Labcorp); PubMed 18023222 (cited by Labcorp Genetics (formerly Invitae), Labcorp); PubMed 20022777 (cited by Labcorp Genetics (formerly Invitae), Labcorp); PubMed 17576681 (cited by Labcorp Genetics (formerly Invitae), Labcorp); PubMed 9536098 (cited by Labcorp Genetics (formerly Invitae), Labcorp).